The following is an entry in ClinVar:

NM_000539.3(RHO):c.185C>A (p.Thr62Asn)

Gene: RHO (rhodopsin; plus strand). Cytogenetic location: 3q22.1.
Variant type: single nucleotide variant.
Coding change: c.185C>A on transcript NM_000539.3 (MANE Select); coding-DNA position 185, C replaced by A.
Protein change: p.Thr62Asn; replaces threonine 62 with asparagine.
Molecular consequence: missense variant.
Genome position (GRCh38, 1-based): chr3:129,528,918, C>A. VCF-style: chr3-129528918-C-A. GRCh37 (hg19) VCF-style: chr3-129247761-C-A.
Other names: short protein forms T62N.
Identifiers: ClinVar variation 625299 (VCV000625299.7), dbSNP rs769464362, ClinGen allele CA2607080.

ClinVar aggregate classification (germline): Uncertain significance. Review status: criteria provided, multiple submitters, no conflicts (2 of 4 stars). 3 submissions from 3 submitters: Uncertain significance (2). 1 of the submissions does not count toward it. Last evaluated 2024-01-29.

Conditions:
Retinitis pigmentosa 4 (RP4). Also called: RETINITIS PIGMENTOSA, RHODOPSIN-RELATED. Identifiers: Orphanet 791, MedGen C3151001, MONDO:0013395, OMIM 613731.

Allele frequency attached by ClinVar (database versions not stated): TOPMed 0.00001; ExAC 0.00002; gnomAD exomes 0.00002; gnomAD 0.00001.
gnomAD v4.1: 32 of 1,614,132 alleles (0.002%); highest among the groups gnomAD compares: Non-Finnish European, 0.0025%; no homozygotes.

Submissions (3):

Blueprint Genetics
Classification: Uncertain significance. Last evaluated: 2024-01-29. Review status: criteria provided, single submitter. Criteria: ACMG Guidelines, 2015. Collection method: clinical testing. Allele origin: germline.

Labcorp Genetics (formerly Invitae), Labcorp
Classification: Uncertain significance. Last evaluated: 2023-11-19. Review status: criteria provided, single submitter. Criteria: Invitae Variant Classification Sherloc (09022015). Collection method: clinical testing. Allele origin: germline.
Comment: This sequence change replaces threonine, which is neutral and polar, with asparagine, which is neutral and polar, at codon 62 of the RHO protein (p.Thr62Asn). This variant is present in population databases (rs769464362, gnomAD 0.003%). This variant has not been reported in the literature in individuals affected with RHO-related conditions. ClinVar contains an entry for this variant (Variation ID: 625299). Advanced modeling of protein sequence and biophysical properties (such as structural, functional, and spatial information, amino acid conservation, physicochemical variation, residue mobility, and thermodynamic stability) performed at Invitae indicates that this missense variant is expected to disrupt RHO protein function with a positive predictive value of 80%. In summary, the available evidence is currently insufficient to determine the role of this variant in disease. Therefore, it has been classified as a Variant of Uncertain Significance.

Ocular Genomics Institute, Massachusetts Eye and Ear
Classification: Uncertain significance for Retinitis pigmentosa 4. Last evaluated: 2019-01-09. Review status: no assertion criteria provided. Collection method: research. Allele origin: germline. Affected: yes. Not counted in ClinVar's aggregate classification.